The following is an entry in ClinVar:

NM_000069.3(CACNA1S):c.3140T>C (p.Ile1047Thr)

Gene: CACNA1S (calcium voltage-gated channel subunit alpha1 S; minus strand). Cytogenetic location: 1q32.1.
Variant type: single nucleotide variant.
Coding change: c.3140T>C on transcript NM_000069.3 (MANE Select); coding-DNA position 3140, T replaced by C.
Protein change: p.Ile1047Thr; replaces isoleucine 1047 with threonine.
Molecular consequence: missense variant.
Genome position (GRCh38, 1-based): chr1:201,061,382, A>G on the plus strand (T>C on the coding strand, the complement: CACNA1S is on the minus strand). VCF-style: chr1-201061382-A-G. GRCh37 (hg19) VCF-style: chr1-201030510-A-G.
Other names: c.3140T>C (NM_000069.2); short protein forms I1047T.
Identifiers: ClinVar variation 3577106 (VCV003577106.5).

ClinVar aggregate classification (germline): Uncertain significance. Review status: criteria provided, multiple submitters, no conflicts (2 of 4 stars). 4 submissions from 4 submitters: Uncertain significance (4). Last evaluated 2025-10-12.

Conditions:
Malignant hyperthermia, susceptibility to, 5 (MHS5). Also called: CACNA1S-Related Malignant Hyperthermia Susceptibility. Identifiers: Orphanet 423, MedGen C1866077, MONDO:0011163, OMIM 601887.
Hypokalemic periodic paralysis, type 1. Also called: Hypokalemic Periodic Paralysis Type 1 (AD); HypoPP. Identifiers: Orphanet 681, MedGen C3714580, MONDO:0042979, OMIM 170400.
Congenital myopathy 18. Also called: Myopathy, congenital, due to dihydropyridine receptor defect; DIHYDROPYRIDINE RECEPTOR CONGENITAL MYOPATHY; DHPR CONGENITAL MYOPATHY. Identifiers: MedGen C5830283, MONDO:0859514, OMIM 620246.
Thyrotoxic periodic paralysis, susceptibility to, 1 (TTPP1). Identifiers: Orphanet 79102, MedGen C2749982, MONDO:0008570, OMIM 188580.

gnomAD v4.1: 12 of 1,614,136 alleles (0.00074%); highest among the groups gnomAD compares: Admixed American, 0.0017%; no homozygotes.

Submissions (4):

Color Diagnostics, LLC DBA Color Health
Classification: Uncertain significance for Malignant hyperthermia, susceptibility to, 5. Last evaluated: 2025-10-12. Review status: criteria provided, single submitter. Criteria: ACMG Guidelines, 2015. Collection method: clinical testing. Allele origin: germline.
Comment: This missense variant replaces isoleucine with threonine at codon 1047 of the CACNA1S protein. Computational prediction is inconclusive regarding the impact of this variant on protein structure and function. To our knowledge, functional studies have not been reported for this variant. This variant has not been reported in individuals affected with CACNA1S-related disorders in the literature. This variant has been identified in 2/251486 chromosomes in the general population by the Genome Aggregation Database (gnomAD). The available evidence is insufficient to determine the role of this variant in disease conclusively. Therefore, this variant is classified as a Variant of Uncertain Significance.

GeneDx
Classification: Uncertain significance. Last evaluated: 2025-05-05. Review status: criteria provided, single submitter. Criteria: GeneDx Variant Classification Process June 2021. Collection method: clinical testing. Allele origin: germline. Affected: yes.
Comment: In silico analysis supports that this missense variant has a deleterious effect on protein structure/function; Has not been previously published as pathogenic or benign to our knowledge

Labcorp Genetics (formerly Invitae), Labcorp
Classification: Uncertain significance for Hypokalemic periodic paralysis, type 1; Malignant hyperthermia, susceptibility to, 5. Last evaluated: 2024-08-07. Review status: criteria provided, single submitter. Criteria: Invitae Variant Classification Sherloc (09022015). Collection method: clinical testing. Allele origin: germline.
Comment: This sequence change replaces isoleucine, which is neutral and non-polar, with threonine, which is neutral and polar, at codon 1047 of the CACNA1S protein (p.Ile1047Thr). This variant is present in population databases (no rsID available, gnomAD 0.007%). This variant has not been reported in the literature in individuals affected with CACNA1S-related conditions. Advanced modeling of protein sequence and biophysical properties (such as structural, functional, and spatial information, amino acid conservation, physicochemical variation, residue mobility, and thermodynamic stability) performed at Invitae indicates that this missense variant is not expected to disrupt CACNA1S protein function with a negative predictive value of 80%. In summary, the available evidence is currently insufficient to determine the role of this variant in disease. Therefore, it has been classified as a Variant of Uncertain Significance.

Fulgent Genetics
Classification: Uncertain significance for Hypokalemic periodic paralysis, type 1; Thyrotoxic periodic paralysis, susceptibility to, 1; Malignant hyperthermia, susceptibility to, 5; Congenital myopathy 18. Last evaluated: 2024-03-20. Review status: criteria provided, single submitter. Criteria: ACMG Guidelines, 2015. Collection method: clinical testing. Allele origin: germline.